The following is an entry in ClinVar:

ClinVar aggregate classification (germline): Likely benign. Review status: criteria provided, multiple submitters, no conflicts (2 of 4 stars). 3 submissions from 3 submitters: Likely benign (3). Last evaluated 2024-12-31.

Conditions:
Aortic aneurysm, familial thoracic 7 (AAT7). Also called: AORTIC DISSECTION, FAMILIAL, WITH OR WITHOUT AORTIC ANEURYSM. Identifiers: MedGen C3151077, MONDO:0013418, OMIM 613780.
Familial thoracic aortic aneurysm and aortic dissection (TAAD). Also called: Thoracic aortic aneurysms and dissections. Identifiers: Orphanet 91387, MedGen C4707243, MONDO:0019625.

Allele frequency attached by ClinVar (database versions not stated): gnomAD exomes 0.00001 and 0.00002; TOPMed 0.00002; ExAC 0.00003; gnomAD 0.00003.
gnomAD v4.1: 21 of 1,614,050 alleles (0.0013%); highest among the groups gnomAD compares: Middle Eastern, 0.016%; no homozygotes.

Submissions (3):

Ambry Genetics
Classification: Likely benign for Familial thoracic aortic aneurysm and aortic dissection. Last evaluated: 2024-12-31. Review status: criteria provided, single submitter. Criteria: Ambry Variant Classification Scheme 2023. Collection method: clinical testing. Allele origin: germline.

Labcorp Genetics (formerly Invitae), Labcorp
Classification: Likely benign for Aortic aneurysm, familial thoracic 7. Last evaluated: 2022-07-24. Review status: criteria provided, single submitter. Criteria: Invitae Variant Classification Sherloc (09022015). Collection method: clinical testing. Allele origin: germline.

GeneDx
Classification: Likely benign. Last evaluated: 2018-05-08. Review status: criteria provided, single submitter. Criteria: GeneDx Variant Classification (06012015). Collection method: clinical testing. Allele origin: germline. Affected: yes.
Comment: This variant is considered likely benign or benign based on one or more of the following criteria: it is a conservative change, it occurs at a poorly conserved position in the protein, it is predicted to be benign by multiple in silico algorithms, and/or has population frequency not consistent with disease.

NM_053025.4(MYLK):c.5070C>T (p.Asp1690=)

Genes: MYLK (myosin light chain kinase; minus strand), MYLK-AS1 (MYLK antisense RNA 1; plus strand), LOC126806791 (MED14-independent group 3 enhancer GRCh37_chr3:123347871-123349070; plus strand). Cytogenetic location: 3q21.1.
Variant type: single nucleotide variant.
Coding change: c.5070C>T on transcript NM_053025.4 (MANE Select); coding-DNA position 5070, C replaced by T.
Protein change: p.Asp1690=; no amino-acid change (aspartic acid 1690 retained).
Molecular consequence: synonymous variant. On other transcripts: non-coding transcript variant (2), intron variant (2).
Genome position (GRCh38, 1-based): chr3:123,629,518, G>A on the plus strand (C>T on the coding strand, the complement: MYLK is on the minus strand). VCF-style: chr3-123629518-G-A. GRCh37 (hg19) VCF-style: chr3-123348365-G-A.
Other names: c.4542C>T, p.Asp1514= (NM_001321309.2); c.4863C>T, p.Asp1621= (NM_053026.4); c.4755-2577C>T (NM_053028.4); c.4962-2577C>T (NM_053027.4).
Identifiers: ClinVar variation 668225 (VCV000668225.7), dbSNP rs756434518, ClinGen allele CA072468.